The following is an entry in ClinVar:

ClinVar aggregate classification (germline): Uncertain significance (1 of 4 stars; one submission).

Submission:

GeneDx
Classification: Uncertain significance. Last evaluated: 2025-06-02. Review status: criteria provided, single submitter. Criteria: GeneDx Variant Classification Process June 2021. Collection method: clinical testing. Allele origin: germline. Affected: yes.
Comment: Not observed at significant frequency in large population cohorts (gnomAD); Frameshift variant predicted to result in protein truncation or nonsense mediated decay in a gene or region of a gene for which loss of function is not a well-established mechanism of disease; Has not been previously published as pathogenic or benign to our knowledge

NM_000701.8(ATP1A1):c.615del (p.Ile206fs)

Gene: ATP1A1 (ATPase Na+/K+ transporting subunit alpha 1; plus strand). Cytogenetic location: 1p13.1.
Variant type: Deletion.
Coding change: c.615del on transcript NM_000701.8 (MANE Select); coding-DNA position 615, one base deleted (C; older notation c.615delC).
Protein change: p.Ile206fs; shifts the reading frame from isoleucine 206.
Molecular consequence: frameshift variant.
Genome position (GRCh38, 1-based): chr1:116,388,751, C deleted. VCF-style (leftmost placement, unchanged base first): chr1-116388750-TC-T. GRCh37 (hg19) VCF-style: chr1-116931372-TC-T.
Other names: c.615del, p.Ile206fs (NM_001160233.2); c.522del, p.Ile175fs (NM_001160234.2); short protein forms I175fs, I206fs.
Identifiers: ClinVar variation 4536337 (VCV004536337.1).
Genomic context (GRCh38, chr1:116,388,750, plus strand): 5'-TTGTGGTTGGGGATCTGGTGGAAGTAAAAGGAGGAGACCGAATTCCTGCTGACCTCAGAA[TC>T]ATATCTGCAAATGGCTGCAAGGTAGCTCTTTTATTTTAACAAACCTCATAGCTAGCTCTG-3'